The following is an entry in ClinVar:

NM_001100913.3(PACS2):c.369C>A (p.Asn123Lys)

Gene: PACS2 (phosphofurin acidic cluster sorting protein 2; plus strand). Cytogenetic location: 14q32.33.
Variant type: single nucleotide variant.
Coding change: c.369C>A on transcript NM_001100913.3 (MANE Select); coding-DNA position 369, C replaced by A.
Protein change: p.Asn123Lys; replaces asparagine 123 with lysine.
Molecular consequence: missense variant.
Genome position (GRCh38, 1-based): chr14:105,355,123, C>A. VCF-style: chr14-105355123-C-A. GRCh37 (hg19) VCF-style: chr14-105821460-C-A.
Other names: c.168C>A, p.Asn56Lys (NM_001243127.3); c.369C>A, p.Asn123Lys (NM_015197.4); short protein forms N123K, N56K.
Identifiers: ClinVar variation 986735 (VCV000986735.3), dbSNP rs1435095726, ClinGen allele CA391200611.

ClinVar aggregate classification (germline): Uncertain significance (1 of 4 stars; one submission).

Conditions:
Developmental and epileptic encephalopathy, 66. Also called: EPILEPTIC ENCEPHALOPATHY, EARLY INFANTILE, 66. Identifiers: MedGen C4748070, MONDO:0054845, OMIM 618067.

Submission:

Foundation for Research in Genetics and Endocrinology, FRIGE's Institute of Human Genetics
Classification: Uncertain significance for Developmental and epileptic encephalopathy, 66. Last evaluated: 2020-11-03. Review status: criteria provided, single submitter. Criteria: ACMG Guidelines, 2015. Collection method: clinical testing. Allele origin: germline. Inheritance: Autosomal dominant inheritance. Affected: yes. Observed: 1 heterozygote.
Comment: A heterozygous missense variation in exon 4 of the PACS2 gene that results in the amino acid substitution of Lysine for Asparagine at codon 123 was detected. The observed variant c.369C>A (p.Asn123Lys) has not been reported in the 1000 genomes, ExAC and gnomAD databases. The in silico prediction of the variant is damaging by DANN, FATHMM and MetaDome. The reference codon is conserved across species. In summary, the variant meets our criteria to be classified as a variant of uncertain significance.